The following is an entry in ClinVar:

ClinVar aggregate classification (germline): Likely benign. Review status: criteria provided, multiple submitters, no conflicts (2 of 4 stars). 4 submissions from 4 submitters: Likely benign (3). 1 of the submissions does not count toward it. Last evaluated 2026-01-04.

Conditions:
STX3-related disorder. Also called: STX3-related condition.

Allele frequency attached by ClinVar (database versions not stated): gnomAD 0.00007 and 0.00008; gnomAD exomes 0.00007 and 0.00009; ExAC 0.00008; ESP Exome Variant Server 0.00008; TOPMed 0.00011.
gnomAD v4.1: 146 of 1,613,452 alleles (0.009%); highest among the groups gnomAD compares: East Asian, 0.018%; no homozygotes.

Submissions (4):

Labcorp Genetics (formerly Invitae), Labcorp
Classification: Likely benign. Last evaluated: 2026-01-04. Review status: criteria provided, single submitter. Criteria: Invitae Variant Classification Sherloc (09022015). Collection method: clinical testing. Allele origin: germline.

Blueprint Genetics
Classification: Likely benign. Last evaluated: 2024-01-10. Review status: criteria provided, single submitter. Criteria: ACMG Guidelines, 2015. Collection method: clinical testing. Allele origin: germline.

CeGaT Center for Human Genetics Tuebingen
Classification: Likely benign. Last evaluated: 2023-01-01. Review status: criteria provided, single submitter. Criteria: CeGaT Center For Human Genetics Tuebingen Variant Classification Criteria Version 2. Collection method: clinical testing. Allele origin: germline. Affected: yes. Observed: 1 variant allele.
Comment: STX3: BP4, BP7

PreventionGenetics, part of Exact Sciences
Classification: Likely benign for STX3-related condition. Last evaluated: 2023-09-04. Review status: no assertion criteria provided. Collection method: clinical testing. Allele origin: germline. Not counted in ClinVar's aggregate classification.
Comment: This variant is classified as likely benign based on ACMG/AMP sequence variant interpretation guidelines (Richards et al. 2015 PMID: 25741868, with internal and published modifications).

NM_004177.5(STX3):c.483C>T (p.Thr161=)

Gene: STX3 (syntaxin 3; plus strand). Cytogenetic location: 11q12.1.
Variant type: single nucleotide variant.
Coding change: c.483C>T on transcript NM_004177.5 (MANE Select); coding-DNA position 483, C replaced by T.
Protein change: p.Thr161=; no amino-acid change (threonine 161 retained).
Molecular consequence: synonymous variant.
Genome position (GRCh38, 1-based): chr11:59,793,115, C>T. VCF-style: chr11-59793115-C-T. GRCh37 (hg19) VCF-style: chr11-59560588-C-T.
Other names: c.483C>T, p.Thr161= (NM_001178040.3).
Identifiers: ClinVar variation 1136028 (VCV001136028.34), dbSNP rs199519154, ClinGen allele CA6020903.
Genomic context (GRCh38, chr11:59,793,115, plus strand): 5'-CACCGTGATCTTATATTTGACGCTCTACTTCTTTTGTTACAAAGCTGGCAAAAAGACAAC[C>T]GATGAGGAGCTGGAGGAGATGTTGGAGAGTGGCAACCCGGCCATCTTCACTTCTGGGGTG-3'
Protein context (NP_004168.1, residues 151-171): RQLEITGKKT[Thr161=]DEELEEMLES